The following is an entry in ClinVar:

NM_000400.4(ERCC2):c.952G>T (p.Ala318Ser)

Gene: ERCC2 (ERCC excision repair 2, TFIIH core complex helicase subunit; minus strand). Cytogenetic location: 19q13.32.
Variant type: single nucleotide variant.
Coding change: c.952G>T on transcript NM_000400.4 (MANE Select); coding-DNA position 952, G replaced by T.
Protein change: p.Ala318Ser; replaces alanine 318 with serine.
Molecular consequence: missense variant.
Genome position (GRCh38, 1-based): chr19:45,363,909, C>A on the plus strand (G>T on the coding strand, the complement: ERCC2 is on the minus strand). VCF-style: chr19-45363909-C-A. GRCh37 (hg19) VCF-style: chr19-45867167-C-A.
Other names: c.880G>T, p.Ala294Ser (NM_001130867.2); short protein forms A294S, A318S.
Identifiers: ClinVar variation 2566679 (VCV002566679.2), dbSNP rs749260944, ClinGen allele CA406373167.
Genomic context (GRCh38, chr19:45,363,909, plus strand): 5'-CCAGCAGCCGCCTCAGGAAGCCCAGGAAATGCTCGGCCGTGCGGATGGAGCCAGGCACTG[C>A]CTCTGCGAGGAGACGCTATCAGCGGCGACGGGGAGGCGGGAAAGGGACTGGGGGGCAGCG-3'
Protein context (NP_000391.1, residues 308-328): PVLPDEVLQE[Ala318Ser]VPGSIRTAEH

ClinVar aggregate classification (germline): Uncertain significance (1 of 4 stars; one submission).

Conditions:
Inborn genetic diseases. Identifiers: MedGen C0950123, MeSH D030342.

Submission:

Ambry Genetics
Classification: Uncertain significance for Inborn genetic diseases. Last evaluated: 2023-04-03. Review status: criteria provided, single submitter. Criteria: Ambry Variant Classification Scheme 2023. Collection method: clinical testing. Allele origin: germline.
Comment: The p.A318S variant (also known as c.952G>T), located in coding exon 11 of the ERCC2 gene, results from a G to T substitution at nucleotide position 952. The alanine at codon 318 is replaced by serine, an amino acid with similar properties. This amino acid position is conserved. In addition, the in silico prediction for this alteration is inconclusive. Since supporting evidence is limited at this time, the clinical significance of this alteration remains unclear.